The following is an entry in ClinVar:

NM_032043.3(BRIP1):c.1433A>C (p.His478Pro)

Gene: BRIP1 (BRCA1 interacting DNA helicase 1; minus strand). Cytogenetic location: 17q23.2.
Variant type: single nucleotide variant.
Coding change: c.1433A>C on transcript NM_032043.3 (MANE Select); coding-DNA position 1433, A replaced by C.
Protein change: p.His478Pro; replaces histidine 478 with proline.
Molecular consequence: missense variant.
Genome position (GRCh38, 1-based): chr17:61,793,637, T>G on the plus strand (A>C on the coding strand, the complement: BRIP1 is on the minus strand). VCF-style: chr17-61793637-T-G. GRCh37 (hg19) VCF-style: chr17-59870998-T-G.
Other names: short protein forms H478P.
Identifiers: ClinVar variation 919766 (VCV000919766.16), dbSNP rs45501097, ClinGen allele CA400482115.

ClinVar aggregate classification (germline): Uncertain significance. Review status: criteria provided, multiple submitters, no conflicts (2 of 4 stars). 5 submissions from 5 submitters: Uncertain significance (5). Last evaluated 2025-06-01.

Conditions:
Familial cancer of breast. Also called: hereditary breast carcinoma; BREAST CANCER, FAMILIAL; Hereditary breast cancer. Identifiers: Orphanet 227535, MedGen C0346153, MONDO:0016419, OMIM 114480. Disease mechanism: loss of function.
Fanconi anemia complementation group J. Also called: BRIP1-Related Fanconi Anemia. Identifiers: Orphanet 84, MedGen C1836860, MONDO:0012187, OMIM 609054.
Hereditary cancer-predisposing syndrome. Also called: Hereditary Cancer Syndrome; Hereditary neoplastic syndrome; Neoplastic Syndromes, Hereditary; Tumor predisposition. Identifiers: Orphanet 140162, MedGen C0027672, MeSH D009386, MONDO:0015356.

gnomAD v4.1: 2 of 1,608,880 alleles (0.00012%); highest among the groups gnomAD compares: Non-Finnish European, 0.00017%; no homozygotes.

Submissions (5):

Labcorp Genetics (formerly Invitae), Labcorp
Classification: Uncertain significance for Familial cancer of breast; Fanconi anemia complementation group J. Last evaluated: 2025-06-01. Review status: criteria provided, single submitter. Criteria: Invitae Variant Classification Sherloc (09022015). Collection method: clinical testing. Allele origin: germline.
Comment: This sequence change replaces histidine, which is basic and polar, with proline, which is neutral and non-polar, at codon 478 of the BRIP1 protein (p.His478Pro). This variant is present in population databases (no rsID available, gnomAD 0.0009%). This missense change has been observed in individual(s) with breast cancer (PMID: 34326862). ClinVar contains an entry for this variant (Variation ID: 919766). Invitae Evidence Modeling of protein sequence and biophysical properties (such as structural, functional, and spatial information, amino acid conservation, physicochemical variation, residue mobility, and thermodynamic stability) has been performed for this missense variant. However, the output from this modeling did not meet the statistical confidence thresholds required to predict the impact of this variant on BRIP1 protein function. In summary, the available evidence is currently insufficient to determine the role of this variant in disease. Therefore, it has been classified as a Variant of Uncertain Significance.

Color Diagnostics, LLC DBA Color Health
Classification: Uncertain significance for Hereditary cancer-predisposing syndrome. Last evaluated: 2024-08-06. Review status: criteria provided, single submitter. Criteria: ACMG Guidelines, 2015. Collection method: clinical testing. Allele origin: germline.
Comment: This missense variant replaces histidine with proline at codon 478 of the BRIP1 protein. Computational prediction is inconclusive regarding the impact of this variant on protein structure and function. To our knowledge, functional studies have not been reported for this variant. In a large breast cancer case-control study, this variant was observed in 2/60464 cases and was absent in any controls (PMID: 33471991). This variant has been identified in 1/244232 chromosomes in the general population by the Genome Aggregation Database (gnomAD). The available evidence is insufficient to determine the role of this variant in disease conclusively. Therefore, this variant is classified as a Variant of Uncertain Significance.

Baylor Genetics
Classification: Uncertain significance for Familial cancer of breast. Last evaluated: 2024-01-03. Review status: criteria provided, single submitter. Criteria: ACMG Guidelines, 2015. Collection method: clinical testing. Allele origin: unknown.

Ambry Genetics
Classification: Uncertain significance for Hereditary cancer-predisposing syndrome. Last evaluated: 2023-10-15. Review status: criteria provided, single submitter. Criteria: Ambry Variant Classification Scheme 2023. Collection method: clinical testing. Allele origin: germline.
Comment: The p.H478P variant (also known as c.1433A>C), located in coding exon 9 of the BRIP1 gene, results from an A to C substitution at nucleotide position 1433. The histidine at codon 478 is replaced by proline, an amino acid with similar properties. This amino acid position is not well conserved in available vertebrate species. In addition, the in silico prediction for this alteration is inconclusive. Since supporting evidence is limited at this time, the clinical significance of this alteration remains unclear.

Sema4
Classification: Uncertain significance for Hereditary cancer-predisposing syndrome. Last evaluated: 2021-11-01. Review status: criteria provided, single submitter. Criteria: Sema4 Curation Guidelines. Collection method: curation. Allele origin: germline.
Comment: The BRIP1 c.1433A>C (p.H478P) variant has been reported in 2 breast cancer cases in a large dataset of 60,466 women with breast cancer but not in 53,461 controls (PMID 33471991). This variant was observed in 1/109628 chromosomes in Non-Finnish European population according to the Genome Aggregation Database (PMID: 32461654). This variant has been reported in ClinVar (Variation ID 919766). Functional studies have not been performed, and in silico predictions of the variant's effect on protein function are inconclusive. The overall evidence is insufficient to meet ACMG/AMP criteria for classifying it as benign or pathogenic. In summary, the clinical significance of this variant is currently uncertain.

Literature cited by the submitters: PubMed 34326862 (cited by Labcorp Genetics (formerly Invitae), Labcorp); PubMed 33471991 (cited by Color Diagnostics, LLC DBA Color Health and Sema4).